The following is an entry in ClinVar:

ClinVar aggregate classification (germline): Likely pathogenic (1 of 4 stars; one submission).

Conditions:
Autosomal recessive limb-girdle muscular dystrophy type 2J (LGMDR10). Also called: Limb-girdle muscular dystrophy, type 2J; MUSCULAR DYSTROPHY, LIMB-GIRDLE, AUTOSOMAL RECESSIVE 10. Identifiers: Orphanet 140922, MedGen C1837342, MONDO:0012127, OMIM 608807.
Dilated cardiomyopathy 1G (CMD1G). Identifiers: Orphanet 154, MedGen C1858763, MONDO:0011400, OMIM 604145.

Submission:

Labcorp Genetics (formerly Invitae), Labcorp
Classification: Likely pathogenic for Dilated cardiomyopathy 1G; Autosomal recessive limb-girdle muscular dystrophy type 2J. Last evaluated: 2024-10-17. Review status: criteria provided, single submitter. Criteria: Invitae Variant Classification Sherloc (09022015). Collection method: clinical testing. Allele origin: germline.
Comment: This sequence change creates a premature translational stop signal (p.Ser3832Thrfs*10) in the TTN gene. While this is not anticipated to result in nonsense mediated decay, it is expected to create a truncated TTN protein. This variant is not present in population databases (gnomAD no frequency). This variant has not been reported in the literature in individuals affected with TTN-related conditions. ClinVar contains an entry for this variant (Variation ID: 2018580). This variant is located in the I band of TTN (PMID: 25589632). Truncating variants in this region have been reported in individuals affected with autosomal recessive centronuclear myopathy (PMID: 23975875, internal data). Truncating variants in this region have also been identified in individuals affected with autosomal dominant dilated cardiomyopathy and/or cardio-related conditions (PMID: 27869827, 32964742, internal data). In summary, the currently available evidence indicates that the variant is pathogenic, but additional data are needed to prove that conclusively. Therefore, this variant has been classified as Likely Pathogenic.

Literature cited by the submitters: PubMed 25589632; PubMed 23975875; PubMed 27869827; PubMed 32964742.

NM_001267550.2(TTN):c.11495del (p.Ser3832fs)

Gene: TTN (titin; minus strand). Cytogenetic location: 2q31.2.
Variant type: Deletion.
Coding change: c.11495del on transcript NM_001267550.2 (MANE Select); coding-DNA position 11495, one base deleted (G; older notation c.11495delG).
Protein change: p.Ser3832fs; shifts the reading frame from serine 3832.
Molecular consequence: frameshift variant. On other transcripts: intron variant (1).
Genome position (GRCh38, 1-based): chr2:178,741,738, C deleted on the plus strand (G on the coding strand, the reverse complement: TTN is on the minus strand). VCF-style (leftmost placement, unchanged base first): chr2-178741737-GC-G. GRCh37 (hg19) VCF-style: chr2-179606464-GC-G.
Other names: c.10544del, p.Ser3515fs (NM_001256850.1); c.10406del, p.Ser3469fs (NM_003319.4); c.10781del, p.Ser3594fs (NM_133432.3); c.10982del, p.Ser3661fs (NM_133437.4); c.10361-3378del (NM_133378.4); short protein forms S3515fs, S3469fs, S3661fs, S3832fs, S3594fs.
Identifiers: ClinVar variation 2018580 (VCV002018580.4), dbSNP rs2530736180, ClinGen allele CA2580065194.